The following is an entry in ClinVar:

NM_001378964.1(CDON):c.*3765C>T

Gene: CDON (cell adhesion associated, oncogene regulated; minus strand). Cytogenetic location: 11q24.2.
Variant type: single nucleotide variant.
Coding change: c.*3765C>T on transcript NM_001378964.1 (MANE Select); 3765 bases downstream of the stop codon, C replaced by T.
Molecular consequence: 3 prime UTR variant.
Genome position (GRCh38, 1-based): chr11:125,957,177, G>A on the plus strand (C>T on the coding strand, the complement: CDON is on the minus strand). VCF-style: chr11-125957177-G-A. GRCh37 (hg19) VCF-style: chr11-125827072-G-A.
Other names: c.*3765C>T (NM_001243597.3, NM_016952.6).
Identifiers: ClinVar variation 303381 (VCV000303381.6), dbSNP rs1047070, ClinGen allele CA10630314.

ClinVar aggregate classification (germline): Benign. Review status: criteria provided, multiple submitters, no conflicts (2 of 4 stars). 2 submissions from 2 submitters: Benign (2). Last evaluated 2018-01-13.

Conditions:
Holoprosencephaly 11 (HPE11). Identifiers: Orphanet 2162, MedGen C3280215, MONDO:0013642, OMIM 614226.

Allele frequency attached by ClinVar (database versions not stated): gnomAD exomes 0.11404; gnomAD 0.20261 and 0.20568; 1000 Genomes Project 30x 0.23126; TOPMed 0.20371; 1000 Genomes Project 0.23662.
gnomAD v4.1: 31,263 of 152,178 alleles (21%); highest among the groups gnomAD compares: East Asian, 42%; 3,439 homozygotes.

Submissions (2):

Illumina Laboratory Services, Illumina
Classification: Benign for Holoprosencephaly 11. Last evaluated: 2018-01-13. Review status: criteria provided, single submitter. Criteria: ICSL Variant Classification Criteria 13 December 2019. Collection method: clinical testing. Allele origin: germline.
Comment: This variant was observed in the ICSL laboratory as part of a predisposition screen in an ostensibly healthy population. It had not been previously curated by ICSL or reported in the Human Gene Mutation Database (HGMD: prior to June 1st, 2018), and was therefore a candidate for classification through an automated scoring system. Utilizing variant allele frequency, disease prevalence and penetrance estimates, and inheritance mode, an automated score was calculated to assess if this variant is too frequent to cause the disease. Based on the score and internal cut-off values, a variant classified as benign is not then subjected to further curation. The score for this variant resulted in a classification of benign for this disease.

Breakthrough Genomics
Classification: Benign. Review status: criteria provided, single submitter. Criteria: ACMG Guidelines, 2015. Collection method: not provided. Allele origin: germline. Inheritance: Autosomal dominant inheritance. Affected: yes.